The following is an entry in ClinVar:

ClinVar aggregate classification (germline): Likely pathogenic (1 of 4 stars; one submission).

Conditions:
Severe combined immunodeficiency due to CORO1A deficiency. Also called: IMMUNODEFICIENCY 8 WITH LYMPHOPROLIFERATION; Immunodeficiency 8. Identifiers: Orphanet 228003, MedGen C3809383, MONDO:0014168, OMIM 615401.

Submission:

Labcorp Genetics (formerly Invitae), Labcorp
Classification: Likely pathogenic for Severe combined immunodeficiency due to CORO1A deficiency. Last evaluated: 2022-05-20. Review status: criteria provided, single submitter. Criteria: Invitae Variant Classification Sherloc (09022015). Collection method: clinical testing. Allele origin: germline.
Comment: In summary, the currently available evidence indicates that the variant is pathogenic, but additional data are needed to prove that conclusively. Therefore, this variant has been classified as Likely Pathogenic. Algorithms developed to predict the effect of missense changes on protein structure and function are either unavailable or do not agree on the potential impact of this missense change (SIFT: "Deleterious"; PolyPhen-2: "Probably Damaging"; Align-GVGD: "Class C0"). This missense change has been observed in individual(s) with clinical features of CORO1A-related conditions (PMID: 25666293; Invitae). In at least one individual the data is consistent with being in trans (on the opposite chromosome) from a pathogenic variant. This variant is not present in population databases (gnomAD no frequency). This sequence change replaces arginine, which is basic and polar, with leucine, which is neutral and non-polar, at codon 12 of the CORO1A protein (p.Arg12Leu).

Literature cited by the submitters: PubMed 25666293.

NM_007074.4(CORO1A):c.35G>T (p.Arg12Leu)

Gene: CORO1A (coronin 1A; plus strand). Cytogenetic location: 16p11.2.
Variant type: single nucleotide variant.
Coding change: c.35G>T on transcript NM_007074.4 (MANE Select); coding-DNA position 35, G replaced by T.
Protein change: p.Arg12Leu; replaces arginine 12 with leucine.
Molecular consequence: missense variant.
Genome position (GRCh38, 1-based): chr16:30,185,244, G>T. VCF-style: chr16-30185244-G-T. GRCh37 (hg19) VCF-style: chr16-30196565-G-T.
Other names: c.35G>T, p.Arg12Leu (NM_001193333.3); short protein forms R12L.
Identifiers: ClinVar variation 2058817 (VCV002058817.4), dbSNP rs2543751507, ClinGen allele CA395489435.